The following is an entry in ClinVar:

ClinVar aggregate classification (germline): Likely benign. Review status: criteria provided, multiple submitters, no conflicts (2 of 4 stars). 2 submissions from 2 submitters: Likely benign (2). Last evaluated 2026-04-18.

Conditions:
Inborn genetic diseases. Identifiers: MedGen C0950123, MeSH D030342.

Submissions (2):

Ambry Genetics
Classification: Likely benign for Inborn genetic diseases. Last evaluated: 2026-04-18. Review status: criteria provided, single submitter. Criteria: Ambry Variant Classification Scheme 2023. Collection method: clinical testing. Allele origin: germline.

CeGaT Center for Human Genetics Tuebingen
Classification: Likely benign. Last evaluated: 2025-08-01. Review status: criteria provided, single submitter. Criteria: CeGaT Center For Human Genetics Tuebingen Variant Classification Criteria Version 2. Collection method: clinical testing. Allele origin: germline. Affected: yes. Observed: 1 variant allele.
Comment: WT1: PM2:Supporting, BP4, BP7

NM_024426.6(WT1):c.831C>T (p.Thr277=)

Gene: WT1 (WT1 transcription factor; minus strand). Cytogenetic location: 11p13.
Variant type: single nucleotide variant.
Coding change: c.831C>T on transcript NM_024426.6 (MANE Select); coding-DNA position 831, C replaced by T.
Protein change: p.Thr277=; no amino-acid change (threonine 277 retained).
Molecular consequence: synonymous variant. On other transcripts: non-coding transcript variant (2).
Genome position (GRCh38, 1-based): chr11:32,428,012, G>A on the plus strand (C>T on the coding strand, the complement: WT1 is on the minus strand). VCF-style: chr11-32428012-G-A. GRCh37 (hg19) VCF-style: chr11-32449558-G-A.
Other names: c.831C>T, p.Thr277= (NM_000378.6, NM_001407044.1, NM_001407045.1 and 4 more transcripts); c.180C>T, p.Thr60= (NM_001198551.2, NM_001198552.2); c.708C>T, p.Thr236= (NM_001407047.1, NM_001407050.1); c.69C>T, p.Thr23= (NM_001407051.1); c.612C>T, p.Thr204= (NM_001429031.1, NM_001429032.1, NM_001429033.1 and 1 more transcripts); c.816C>T (NM_024426.4).
Identifiers: ClinVar variation 4085745 (VCV004085745.9).
Genomic context (GRCh38, chr11:32,428,012, plus strand): 5'-CTACCTGCTGTAGGGCGTCCTCAGCAGCAAAGCCTGGCTGCCGGTGCAGCTGTCGGTGGG[G>A]GTGTGGCAGCCATAGACCGGGGGCGGCACCGAGTACTGCTGCTCACCTGCAGAGAGAACC-3'
Protein context (NP_077744.4, residues 267-287): SVPPPVYGCH[Thr277=]PTDSCTGSQA